The following is an entry in ClinVar:

ClinVar aggregate classification (germline): Conflicting classifications of pathogenicity. Review status: criteria provided, conflicting classifications (1 of 4 stars). 8 submissions from 8 submitters: Likely pathogenic (3); Uncertain significance (4). 1 of the submissions does not count toward it. Last evaluated 2025-11-22.

Conditions:
Neurodegeneration with ataxia and late-onset optic atrophy. Identifiers: MedGen C5543254, MONDO:0031006, OMIM 619259.
Dilated cardiomyopathy 1GG (CMD1GG). Identifiers: Orphanet 154, MedGen C3150898, MONDO:0013339, OMIM 613642.
Mitochondrial complex II deficiency, nuclear type 1. Also called: SUCCINATE CoQ REDUCTASE DEFICIENCY. Identifiers: Orphanet 3208, MedGen C5700310, MONDO:0100294, OMIM 252011.
Pheochromocytoma/paraganglioma syndrome 5. Also called: Paragangliomas 5; SDHA-Related Hereditary Paraganglioma-Pheochromocytoma Syndrome. Identifiers: Orphanet 29072, MedGen C3279992, MONDO:0013602, OMIM 614165.
Hereditary cancer-predisposing syndrome. Also called: Hereditary Cancer Syndrome; Neoplastic Syndromes, Hereditary; Tumor predisposition; Hereditary neoplastic syndrome. Identifiers: Orphanet 140162, MedGen C0027672, MeSH D009386, MONDO:0015356.
Neoplasm of brain. Also called: Brain neoplasm; Brain tumour; Brain Neoplasms. Identifiers: MedGen C0006118, MeSH D001932, MONDO:0021211, HP:0030692.

Allele frequency attached by ClinVar (database versions not stated): TOPMed below 0.00001; ExAC 0.00001; gnomAD 0.00001; gnomAD exomes 0.00001.
gnomAD v4.1: 12 of 1,613,930 alleles (0.00074%); highest among the groups gnomAD compares: Admixed American, 0.0033%; no homozygotes.

Submissions (8):

Labcorp Genetics (formerly Invitae), Labcorp
Classification: Likely pathogenic for Pheochromocytoma/paraganglioma syndrome 5; Mitochondrial complex II deficiency, nuclear type 1. Last evaluated: 2025-11-22. Review status: criteria provided, single submitter. Criteria: Invitae Variant Classification Sherloc (09022015). Collection method: clinical testing. Allele origin: germline.
Comment: This sequence change replaces threonine, which is neutral and polar, with isoleucine, which is neutral and non-polar, at codon 273 of the SDHA protein (p.Thr273Ile). This variant is present in population databases (rs587781720, gnomAD 0.003%). This missense change has been observed in individuals with gastrointestinal stromal tumor, pheochromocytoma and paraganglioma (PMID: 23109135, 27011036; external communication, internal data). ClinVar contains an entry for this variant (Variation ID: 141401). Invitae Evidence Modeling of protein sequence and biophysical properties (such as structural, functional, and spatial information, amino acid conservation, physicochemical variation, residue mobility, and thermodynamic stability) has been performed for this missense variant. However, the output from this modeling did not meet the statistical confidence thresholds required to predict the impact of this variant on SDHA protein function. In summary, the currently available evidence indicates that the variant is pathogenic, but additional data are needed to prove that conclusively. Therefore, this variant has been classified as Likely Pathogenic.

Ambry Genetics
Classification: Likely pathogenic for Hereditary cancer-predisposing syndrome. Last evaluated: 2025-09-10. Review status: criteria provided, single submitter. Criteria: Ambry Variant Classification Scheme 2023. Collection method: clinical testing. Allele origin: germline.
Comment: The p.T273I variant (also known as c.818C>T), located in coding exon 7 of the SDHA gene, results from a C to T substitution at nucleotide position 818. The threonine at codon 273 is replaced by isoleucine, an amino acid with similar properties. This alteration has been previously identified as a somatic finding in several gastrointestinal stromal tumors (GISTs) demonstrating absence of SDHB and presence of SDHA protein staining by IHC (Belinsky MG et al. Genes Chromosomes Cancer. 2013 Feb;52:214-24; Miettinen M et al. Am. J. Surg. Pathol. 2013 Feb;37:234-40; Boikos SA et al. JAMA Oncol. 2016 Jul;2:922-8). Two of these individuals diagnosed with GIST were also found to carry this alteration in germline DNA (Belinsky MG et al. Genes Chromosomes Cancer. 2013 Feb;52:214-24; Boikos SA et al. JAMA Oncol. 2016 Jul;2:922-8), while no germline specimen was available for the third case (Miettinen M et al. Am. J. Surg. Pathol. 2013 Feb;37:234-40). This amino acid position is highly conserved in available vertebrate species. In addition, this alteration is predicted to be deleterious by in silico analysis. Based on the majority of available evidence to date, this variant is likely to be pathogenic.

GeneDx
Classification: Uncertain significance. Last evaluated: 2024-08-18. Review status: criteria provided, single submitter. Criteria: GeneDx Variant Classification Process June 2021. Collection method: clinical testing. Allele origin: germline. Affected: yes.
Comment: Not observed at significant frequency in large population cohorts (gnomAD); In silico analysis supports that this missense variant has a deleterious effect on protein structure/function; This variant is associated with the following publications: (PMID: 28748451, 23730622, 25394176, 23282968, 24886695, 27986441, 23109135, 36980917, 32741965, 27011036)

Myriad Genetics, Inc.
Classification: Uncertain significance for Pheochromocytoma/paraganglioma syndrome 5. Last evaluated: 2023-04-24. Review status: criteria provided, single submitter. Criteria: Myriad Autosomal Dominant, Autosomal Recessive and X-Linked Classification Criteria (2023). Collection method: clinical testing. Allele origin: unknown.
Comment: This variant is classified as a variant of uncertain significance as there is insufficient evidence to determine its impact on protein function and/or cancer risk.

Department of Pathology and Laboratory Medicine, Sinai Health System
Classification: Uncertain significance for Mitochondrial complex II deficiency, nuclear type 1; Dilated cardiomyopathy 1GG; Neurodegeneration with ataxia and late-onset optic atrophy. Last evaluated: 2022-08-25. Review status: criteria provided, single submitter. Criteria: ACMG Guidelines, 2015. Collection method: research. Allele origin: germline.

Genetic Services Laboratory, University of Chicago
Classification: Uncertain significance. Last evaluated: 2020-02-17. Review status: criteria provided, single submitter. Criteria: ACMG Guidelines, 2015. Collection method: clinical testing. Allele origin: germline. Affected: no.
Comment: DNA sequence analysis of the SDHA gene demonstrated a sequence change, c.818C>T, in exon 7 that results in an amino acid change, p.Thr273Ile. This sequence change has been described in the gnomAD database in three individuals (dbSNPrs587781720). The p.Thr273Ile change has been reported in an individual with gastrointestinal stromal tumor (PMID: 23109135). The p.Thr273Ile change affects a highly conserved amino acid residue located in a domain of the SDHA protein that is known to be functional. The p.Thr273Ile substitution appears to be deleterious using several in-silico pathogenicity prediction tools (SIFT, PolyPhen2, Align GVGD, REVEL). Due to the lack of functional studies, the clinical significance of the p.Thr273Ile change remains unknown at this time.

Laboratory of Medical Genetics Unit, Bambino Gesù Children's Hospital
Classification: Likely pathogenic for Neoplasm of brain. Review status: criteria provided, single submitter. Criteria: ACMG Guidelines, 2015. Collection method: clinical testing. Allele origin: paternal. Inheritance: Autosomal dominant inheritance. Affected: yes.
Comment: This sequence change, c.818C>T, in exon 7 of SDHA gene results in the missense change, p.Thr273Ile. This variant is present in population databases (rs587781720, gnomAD 0.003%). This change has been observed in individuals with GIST (PMID: 23109135, 27011036). ClinVar contains an entry for this variant (Variation ID: 141401). This amino acid position is highly conserved in available vertebrate species. In addition, this change is predicted to be deleterious by in silico analysis. For these reasons, this variant has been classified as Likely Pathogenic.

Counsyl
Classification: Uncertain significance for Pheochromocytoma/paraganglioma syndrome 5. Last evaluated: 2016-02-18. Review status: no assertion criteria provided. Collection method: clinical testing. Allele origin: unknown. Not counted in ClinVar's aggregate classification.

Literature cited by the submitters: PubMed 23109135 (cited by Labcorp Genetics (formerly Invitae), Labcorp and Ambry Genetics); PubMed 27011036 (cited by Labcorp Genetics (formerly Invitae), Labcorp and Ambry Genetics); PubMed 23282968 (cited by Ambry Genetics and Counsyl); PubMed 27986441 (cited by Ambry Genetics).

NM_004168.4(SDHA):c.818C>T (p.Thr273Ile)

Gene: SDHA (succinate dehydrogenase complex flavoprotein subunit A; plus strand). Cytogenetic location: 5p15.33.
Variant type: single nucleotide variant.
Coding change: c.818C>T on transcript NM_004168.4 (MANE Select); coding-DNA position 818, C replaced by T.
Protein change: p.Thr273Ile; replaces threonine 273 with isoleucine.
Molecular consequence: missense variant.
Genome position (GRCh38, 1-based): chr5:230,923, C>T. VCF-style: chr5-230923-C-T. GRCh37 (hg19) VCF-style: chr5-231038-C-T.
Other names: c.674C>T, p.Thr225Ile (NM_001294332.2); c.818C>T, p.Thr273Ile (NM_001330758.2); short protein forms T273I, T225I.
Identifiers: ClinVar variation 141401 (VCV000141401.28), dbSNP rs587781720, ClinGen allele CA165326.